The following is an entry in ClinVar:

ClinVar aggregate classification (germline): Uncertain significance (1 of 4 stars; one submission).

Conditions:
Emery-Dreifuss muscular dystrophy 4, autosomal dominant (EDMD4). Also called: EMERY-DREIFUSS MUSCULAR DYSTROPHY 4 WITH VARIABLE FEATURES. Identifiers: Orphanet 261, MedGen C2751807, MONDO:0013071, OMIM 612998.
Autosomal recessive ataxia, Beauce type. Also called: Spinocerebellar ataxia, autosomal recessive 8; ATAXIA, RECESSIVE, OF BEAUCE; SYNE1 Deficiency; SYNE1-Related Autosomal Recessive Cerebellar Ataxia. Identifiers: Orphanet 88644, MedGen C1853116, MONDO:0012549, OMIM 610743.

Submission:

Labcorp Genetics (formerly Invitae), Labcorp
Classification: Uncertain significance for Emery-Dreifuss muscular dystrophy 4, autosomal dominant; Autosomal recessive ataxia, Beauce type. Last evaluated: 2021-09-09. Review status: criteria provided, single submitter. Criteria: Invitae Variant Classification Sherloc (09022015). Collection method: clinical testing. Allele origin: germline.
Comment: This variant is not present in population databases (ExAC no frequency). This variant has not been reported in the literature in individuals affected with SYNE1-related conditions. Variants that disrupt the consensus splice site are a relatively common cause of aberrant splicing (PMID: 17576681, 9536098). Algorithms developed to predict the effect of sequence changes on RNA splicing suggest that this variant may disrupt the consensus splice site. In summary, the available evidence is currently insufficient to determine the role of this variant in disease. Therefore, it has been classified as a Variant of Uncertain Significance. This sequence change falls in intron 81 of the SYNE1 gene. It does not directly change the encoded amino acid sequence of the SYNE1 protein. It affects a nucleotide within the consensus splice site of the intron.

Literature cited by the submitters: PubMed 17576681; PubMed 9536098.

NM_182961.4(SYNE1):c.15917+3A>T

Gene: SYNE1 (spectrin repeat containing nuclear envelope protein 1; minus strand). Cytogenetic location: 6q25.2.
Variant type: single nucleotide variant.
Coding change: c.15917+3A>T on transcript NM_182961.4 (MANE Select); 3 bases into the intron after coding-DNA position 15917, A replaced by T.
Molecular consequence: intron variant.
Genome position (GRCh38, 1-based): chr6:152,323,475, T>A on the plus strand (A>T on the coding strand, the complement: SYNE1 is on the minus strand). VCF-style: chr6-152323475-T-A. GRCh37 (hg19) VCF-style: chr6-152644610-T-A.
Other names: c.15704+3A>T (NM_033071.5).
Identifiers: ClinVar variation 1433020 (VCV001433020.6), dbSNP rs2153937725, ClinGen allele CA2573140671.